The following is an entry in ClinVar:

ClinVar aggregate classification (germline): Pathogenic/Likely pathogenic. Review status: criteria provided, multiple submitters, no conflicts (2 of 4 stars). 2 submissions from 2 submitters: Pathogenic (1); Likely pathogenic (1). Last evaluated 2025-09-24.

Conditions:
Osteogenesis imperfecta with normal sclerae, dominant form (OI4). Also called: Osteogenesis imperfecta type 4; Common Variable Osteogenesis Imperfecta with Normal Sclerae; OSTEOGENESIS IMPERFECTA WITH NORMAL SCLERAE; OSTEOGENESIS IMPERFECTA, TYPE IV, WITH DENTINOGENESIS IMPERFECTA; Osteogenesis Imperfecta Type IV. Identifiers: Orphanet 216820, Orphanet 666, MedGen C0268363, MONDO:0008148, OMIM 166220.

Submissions (2):

Genesolutions, Medical Genetics Institutes, Ho Chi Minh City, Vietnam
Classification: Likely pathogenic for Osteogenesis imperfecta with normal sclerae, dominant form. Last evaluated: 2025-09-24. Review status: criteria provided, single submitter. Criteria: ACMG Guidelines, 2015. Collection method: clinical testing. Allele origin: germline. Affected: yes.

GeneDx
Classification: Pathogenic. Last evaluated: 2025-05-02. Review status: criteria provided, single submitter. Criteria: GeneDx Variant Classification Process June 2021. Collection method: clinical testing. Allele origin: germline. Affected: yes.
Comment: Occurs in the triple helical domain and replaces a glycine in a canonical Gly-X-Y repeat; missense substitution of a canonical glycine residue is expected to disrupt normal protein folding and function, and this is an established mechanism of disease (PMID: 34007986); Not observed at significant frequency in large population cohorts (gnomAD); In silico analysis supports that this missense variant has a deleterious effect on protein structure/function; This variant is associated with the following publications: (PMID: 24668929, 34007986)

NM_000088.4(COL1A1):c.751G>C (p.Gly251Arg)

Genes: COL1A1 (collagen type I alpha 1 chain; minus strand), LOC126862586 (CDK7 strongly-dependent group 2 enhancer GRCh37_chr17:48273702-48274901; plus strand). Cytogenetic location: 17q21.33.
Variant type: single nucleotide variant.
Coding change: c.751G>C on transcript NM_000088.4 (MANE Select); coding-DNA position 751, G replaced by C.
Protein change: p.Gly251Arg; replaces glycine 251 with arginine.
Molecular consequence: missense variant.
Genome position (GRCh38, 1-based): chr17:50,197,063, C>G on the plus strand (G>C on the coding strand, the complement: COL1A1 is on the minus strand). VCF-style: chr17-50197063-C-G. GRCh37 (hg19) VCF-style: chr17-48274424-C-G.
Other names: short protein forms G251R.
Identifiers: ClinVar variation 4277510 (VCV004277510.2).